The following is an entry in ClinVar:

ClinVar aggregate classification (germline): Benign/Likely benign. Review status: criteria provided, multiple submitters, no conflicts (2 of 4 stars). 3 submissions from 3 submitters: Benign (1); Likely benign (2). Last evaluated 2026-01-08.

Conditions:
Hereditary cancer-predisposing syndrome. Also called: Neoplastic Syndromes, Hereditary; Tumor predisposition; Hereditary Cancer Syndrome; Hereditary neoplastic syndrome. Identifiers: Orphanet 140162, MedGen C0027672, MeSH D009386, MONDO:0015356.
Familial cancer of breast. Also called: BREAST CANCER, FAMILIAL; Hereditary breast cancer; hereditary breast carcinoma. Identifiers: Orphanet 227535, MedGen C0346153, MONDO:0016419, OMIM 114480. Disease mechanism: loss of function.

Submissions (3):

Labcorp Genetics (formerly Invitae), Labcorp
Classification: Likely benign for Familial cancer of breast. Last evaluated: 2026-01-08. Review status: criteria provided, single submitter. Criteria: Invitae Variant Classification Sherloc (09022015). Collection method: clinical testing. Allele origin: germline.

Myriad Genetics, Inc.
Classification: Benign for Familial cancer of breast. Last evaluated: 2024-10-03. Review status: criteria provided, single submitter. Criteria: Myriad Autosomal Dominant, Autosomal Recessive and X-Linked Classification Criteria (2023). Collection method: clinical testing. Allele origin: unknown.
Comment: This variant is considered benign. This variant is a silent/synonymous amino acid change and it is not expected to impact splicing.

Ambry Genetics
Classification: Likely benign for Hereditary cancer-predisposing syndrome. Last evaluated: 2017-06-14. Review status: criteria provided, single submitter. Criteria: Ambry Variant Classification Scheme 2023. Collection method: clinical testing. Allele origin: germline.

NM_007194.4(CHEK2):c.657A>G (p.Glu219=)

Gene: CHEK2 (checkpoint kinase 2; minus strand). Cytogenetic location: 22q12.1.
Variant type: single nucleotide variant.
Coding change: c.657A>G on transcript NM_007194.4 (MANE Select); coding-DNA position 657, A replaced by G.
Protein change: p.Glu219=; no amino-acid change (glutamic acid 219 retained).
Molecular consequence: synonymous variant. On other transcripts: 5 prime UTR variant (2), intron variant (1).
Genome position (GRCh38, 1-based): chr22:28,719,421, T>C on the plus strand (A>G on the coding strand, the complement: CHEK2 is on the minus strand). VCF-style: chr22-28719421-T-C. GRCh37 (hg19) VCF-style: chr22-29115409-T-C.
Other names: c.786A>G, p.Glu262= (NM_001005735.3, NM_001438294.1); c.-7A>G (NM_001257387.3, NM_001437942.1); c.750A>G, p.Glu250= (NM_001438293.1, NM_001438295.1); c.657A>G, p.Glu219= (NM_145862.3); c.482+5465A>G (NM_001349956.3).
Identifiers: ClinVar variation 483392 (VCV000483392.18), dbSNP rs1222043566, ClinGen allele CA513945244.